The following is an entry in ClinVar:

ClinVar aggregate classification (germline): Uncertain significance (1 of 4 stars; one submission).

Conditions:
ATP8B1-related disorder. Also called: ATP8B1-related disorders; ATP8B1-related condition.

gnomAD v4.1: 8 of 1,614,142 alleles (0.0005%); highest among the groups gnomAD compares: African/African-American, 0.0013%; no homozygotes.

Submission:

PreventionGenetics, part of Exact Sciences
Classification: Uncertain significance for ATP8B1-related condition. Last evaluated: 2025-08-19. Review status: criteria provided, single submitter. Criteria: ACMG Guidelines, 2015. Collection method: clinical testing. Allele origin: germline.
Comment: The ATP8B1 c.3082T>C variant is predicted to result in the amino acid substitution p.Phe1028Leu. To our knowledge, this variant has not been reported in the literature or in a large population database (gnomAD), indicating this variant is rare. At this time, the clinical significance of this variant is uncertain due to the absence of conclusive functional and genetic evidence.

NM_001374385.1(ATP8B1):c.3082T>C (p.Phe1028Leu)

Genes: ATP8B1 (ATPase phospholipid transporting 8B1; minus strand), ATP8B1-AS1 (ATP8B1 antisense RNA 1; plus strand). Cytogenetic location: 18q21.31.
Variant type: single nucleotide variant.
Coding change: c.3082T>C on transcript NM_001374385.1 (MANE Select); coding-DNA position 3082, T replaced by C.
Protein change: p.Phe1028Leu; replaces phenylalanine 1028 with leucine.
Molecular consequence: missense variant.
Genome position (GRCh38, 1-based): chr18:57,652,663, A>G on the plus strand (T>C on the coding strand, the complement: ATP8B1 is on the minus strand). VCF-style: chr18-57652663-A-G. GRCh37 (hg19) VCF-style: chr18-55319895-A-G.
Other names: c.2932T>C, p.Phe978Leu (NM_001374386.1); c.3082T>C, p.Phe1028Leu (NM_005603.6); short protein forms F978L, F1028L.
Identifiers: ClinVar variation 5001715 (VCV005001715.1).
Genomic context (GRCh38, chr18:57,652,663, plus strand): 5'-AGAGGATCATCGATGTTAGGACCCCATGCAACAAGCTTACAAAGAATCTCTTATAGTTGA[A>G]TAGTAAGTCTCTTTGTCCCACTATGTATAACCCAGGGAATCGGAGGCTCAGTTTGTCACT-3'
Protein context (NP_001361314.1, residues 1018-1038): LYIVGQRDLL[Phe1028Leu]NYKRFFVSLL